The following is an entry in ClinVar:

ClinVar aggregate classification (germline): Uncertain significance (1 of 4 stars; one submission).

Conditions:
Neuronal ceroid lipofuscinosis. Also called: Neuronal Ceroid Lipofuscinoses. Identifiers: Orphanet 216, Orphanet 79263, MedGen C0027877, MONDO:0016295. Disease mechanism: loss of function.

Allele frequency attached by ClinVar (database versions not stated): gnomAD exomes below 0.00001; ExAC 0.00001; gnomAD 0.00001; TOPMed 0.00001.
gnomAD v4.1: 6 of 1,614,072 alleles (0.00037%); highest among the groups gnomAD compares: African/African-American, 0.0027%; no homozygotes.

Submission:

Labcorp Genetics (formerly Invitae), Labcorp
Classification: Uncertain significance for Neuronal ceroid lipofuscinosis. Last evaluated: 2024-02-05. Review status: criteria provided, single submitter. Criteria: Invitae Variant Classification Sherloc (09022015). Collection method: clinical testing. Allele origin: germline.
Comment: This sequence change replaces alanine, which is neutral and non-polar, with threonine, which is neutral and polar, at codon 70 of the DNAJC5 protein (p.Ala70Thr). This variant is not present in population databases (gnomAD no frequency). This variant has not been reported in the literature in individuals affected with DNAJC5-related conditions. ClinVar contains an entry for this variant (Variation ID: 1469691). An algorithm developed to predict the effect of missense changes on protein structure and function (PolyPhen-2) suggests that this variant is likely to be tolerated. In summary, the available evidence is currently insufficient to determine the role of this variant in disease. Therefore, it has been classified as a Variant of Uncertain Significance.

NM_025219.3(DNAJC5):c.208G>A (p.Ala70Thr)

Gene: DNAJC5 (DnaJ heat shock protein family (Hsp40) member C5; plus strand). Cytogenetic location: 20q13.33.
Variant type: single nucleotide variant.
Coding change: c.208G>A on transcript NM_025219.3 (MANE Select); coding-DNA position 208, G replaced by A.
Protein change: p.Ala70Thr; replaces alanine 70 with threonine.
Molecular consequence: missense variant.
Genome position (GRCh38, 1-based): chr20:63,929,412, G>A. VCF-style: chr20-63929412-G-A. GRCh37 (hg19) VCF-style: chr20-62560765-G-A.
Other names: short protein forms A70T.
Identifiers: ClinVar variation 1469691 (VCV001469691.8), dbSNP rs769269113, ClinGen allele CA9969670.